The following is an entry in ClinVar:

ClinVar aggregate classification (germline): Benign/Likely benign. Review status: criteria provided, multiple submitters, no conflicts (2 of 4 stars). 6 submissions from 6 submitters: Benign (2); Likely benign (4). Last evaluated 2026-01-11.

Conditions:
Familial meningioma. Also called: Meningioma, familial, susceptibility to. Identifiers: Orphanet 263662, MedGen C3551915, MONDO:0011789, OMIM 607174.
Hereditary cancer-predisposing syndrome. Also called: Hereditary neoplastic syndrome; Neoplastic Syndromes, Hereditary; Hereditary Cancer Syndrome; Tumor predisposition. Identifiers: Orphanet 140162, MedGen C0027672, MeSH D009386, MONDO:0015356.
Gorlin syndrome. Also called: Nevoid Basal Cell Carcinoma Syndrome; Basal cell nevus syndrome. Identifiers: Orphanet 377, MedGen C0004779, MONDO:0007187.
Medulloblastoma (MDB). Also called: MEDULLOBLASTOMA PREDISPOSITION SYNDROME; Medulloblastoma, somatic. Identifiers: Orphanet 616, MedGen C0025149, MeSH D008527, MONDO:0007959, OMIM 155255, HP:0002885.

Allele frequency attached by ClinVar (database versions not stated): gnomAD 0.00001 and 0.00009; TOPMed 0.00005; gnomAD exomes 0.00043; ExAC 0.00049; 1000 Genomes Project 30x 0.00078; 1000 Genomes Project 0.00080.
gnomAD v4.1: 324 of 1,614,202 alleles (0.02%); highest among the groups gnomAD compares: South Asian, 0.31%; 3 homozygotes.

Submissions (6):

Labcorp Genetics (formerly Invitae), Labcorp
Classification: Benign for Gorlin syndrome; Medulloblastoma. Last evaluated: 2026-01-11. Review status: criteria provided, single submitter. Criteria: Invitae Variant Classification Sherloc (09022015). Collection method: clinical testing. Allele origin: germline.

Center for Genomic Medicine, Rigshospitalet, Copenhagen University Hospital
Classification: Likely benign. Last evaluated: 2025-03-04. Review status: criteria provided, single submitter. Criteria: ACMG Guidelines, 2015. Collection method: clinical testing. Allele origin: germline.

KCCC/NGS Laboratory, Kuwait Cancer Control Center
Classification: Benign for Familial meningioma. Last evaluated: 2023-07-07. Review status: criteria provided, single submitter. Criteria: ACMG Guidelines, 2015. Collection method: clinical testing. Allele origin: germline. Affected: yes.

CeGaT Center for Human Genetics Tuebingen
Classification: Likely benign. Last evaluated: 2022-12-01. Review status: criteria provided, single submitter. Criteria: CeGaT Center For Human Genetics Tuebingen Variant Classification Criteria Version 2. Collection method: clinical testing. Allele origin: germline. Affected: yes. Observed: 2 variant alleles.
Comment: SUFU: BP4, BP7

Sema4
Classification: Likely benign for Hereditary cancer-predisposing syndrome. Last evaluated: 2020-12-23. Review status: criteria provided, single submitter. Criteria: Sema4 Curation Guidelines. Collection method: curation. Allele origin: germline.

Ambry Genetics
Classification: Likely benign for Hereditary cancer-predisposing syndrome. Last evaluated: 2017-09-30. Review status: criteria provided, single submitter. Criteria: Ambry Variant Classification Scheme 2023. Collection method: clinical testing. Allele origin: germline.

NM_016169.4(SUFU):c.645C>T (p.Asn215=)

Gene: SUFU (SUFU negative regulator of hedgehog signaling; plus strand). Cytogenetic location: 10q24.32.
Variant type: single nucleotide variant.
Coding change: c.645C>T on transcript NM_016169.4 (MANE Select); coding-DNA position 645, C replaced by T.
Protein change: p.Asn215=; no amino-acid change (asparagine 215 retained).
Molecular consequence: synonymous variant.
Genome position (GRCh38, 1-based): chr10:102,593,683, C>T. VCF-style: chr10-102593683-C-T. GRCh37 (hg19) VCF-style: chr10-104353440-C-T.
Other names: c.645C>T, p.Asn215= (NM_001178133.2).
Identifiers: ClinVar variation 453970 (VCV000453970.43), dbSNP rs551772204, ClinGen allele CA5667735.